The following is an entry in ClinVar:

NM_000135.4(FANCA):c.985A>T (p.Thr329Ser)

Gene: FANCA (FA complementation group A; minus strand). Cytogenetic location: 16q24.3.
Variant type: single nucleotide variant.
Coding change: c.985A>T on transcript NM_000135.4 (MANE Select); coding-DNA position 985, A replaced by T.
Protein change: p.Thr329Ser; replaces threonine 329 with serine.
Molecular consequence: missense variant.
Genome position (GRCh38, 1-based): chr16:89,795,927, T>A on the plus strand (A>T on the coding strand, the complement: FANCA is on the minus strand). VCF-style: chr16-89795927-T-A. GRCh37 (hg19) VCF-style: chr16-89862335-T-A.
Other names: c.985A>T, p.Thr329Ser (NM_001286167.3); c.985A>T (NM_000135.3); short protein forms T329S.
Identifiers: ClinVar variation 3848050 (VCV003848050.2).
Genomic context (GRCh38, chr16:89,795,927, plus strand): 5'-AAATGGGTAGCAACTGAGCAGCCTCCACACTGGGCCTACCTTTCAGCACAGGGCTGTGAG[T>A]GAGTATCTGAGTCAGGGTATGACTGAAGAACCTCTTCAGAGGATCTGTGGAAATTACACT-3'
Protein context (NP_000126.2, residues 319-339): FFSHTLTQIL[Thr329Ser]HSPVLKASDA

ClinVar aggregate classification (germline): Uncertain significance. Review status: criteria provided, single submitter (1 of 4 stars). 2 submissions from 2 submitters: Uncertain significance (1). 1 of the submissions does not count toward it. Last evaluated 2024-12-21.

Conditions:
Fanconi anemia (FA). Also called: Fanconi's anemia. Identifiers: Orphanet 84, MedGen C0015625, MeSH D005199, MONDO:0019391.
Inborn genetic diseases. Identifiers: MedGen C0950123, MeSH D030342.

gnomAD v4.1: 1 of 1,612,076 alleles (0.000062%); highest among the groups gnomAD compares: Non-Finnish European, 0.000085%; no homozygotes.

Submissions (2):

Ambry Genetics
Classification: Uncertain significance for Inborn genetic diseases. Last evaluated: 2024-12-21. Review status: criteria provided, single submitter. Criteria: Ambry Variant Classification Scheme 2023. Collection method: clinical testing. Allele origin: germline.
Comment: The p.T329S variant (also known as c.985A>T), located in coding exon 11 of the FANCA gene, results from an A to T substitution at nucleotide position 985. The threonine at codon 329 is replaced by serine, an amino acid with similar properties. This amino acid position is conserved. In addition, this alteration is predicted to be tolerated by in silico analysis. Based on the available evidence, the clinical significance of this variant remains unclear.

Natera, Inc.
Classification: Uncertain significance for Fanconi anemia. Last evaluated: 2025-03-21. Review status: no assertion criteria provided. Collection method: clinical testing. Allele origin: germline. Not counted in ClinVar's aggregate classification.